The following is an entry in ClinVar:

NM_004946.3(DOCK2):c.1793A>T (p.Asp598Val)

Gene: DOCK2 (dedicator of cytokinesis 2; plus strand). Cytogenetic location: 5q35.1.
Variant type: single nucleotide variant.
Coding change: c.1793A>T on transcript NM_004946.3 (MANE Select); coding-DNA position 1793, A replaced by T.
Protein change: p.Asp598Val; replaces aspartic acid 598 with valine.
Molecular consequence: missense variant. On other transcripts: non-coding transcript variant (1).
Genome position (GRCh38, 1-based): chr5:169,714,161, A>T. VCF-style: chr5-169714161-A-T. GRCh37 (hg19) VCF-style: chr5-169141165-A-T.
Other names: short protein forms D598V.
Identifiers: ClinVar variation 4243838 (VCV004243838.2).

ClinVar aggregate classification (germline): Uncertain significance. Review status: criteria provided, multiple submitters, no conflicts (2 of 4 stars). 2 submissions from 2 submitters: Uncertain significance (2). Last evaluated 2025-11-27.

Conditions:
DOCK2 deficiency. Also called: Immunodeficiency 40. Identifiers: Orphanet 447737, MedGen C4225328, MONDO:0014637, OMIM 616433.
Inborn genetic diseases. Identifiers: MedGen C0950123, MeSH D030342.

gnomAD v4.1: 64 of 1,613,306 alleles (0.004%); highest among the groups gnomAD compares: Non-Finnish European, 0.0053%; no homozygotes.

Submissions (2):

Labcorp Genetics (formerly Invitae), Labcorp
Classification: Uncertain significance for DOCK2 deficiency. Last evaluated: 2025-11-27. Review status: criteria provided, single submitter. Criteria: Invitae Variant Classification Sherloc (09022015). Collection method: clinical testing. Allele origin: germline.
Comment: This sequence change replaces aspartic acid, which is acidic and polar, with valine, which is neutral and non-polar, at codon 598 of the DOCK2 protein (p.Asp598Val). This variant is present in population databases (no rsID available, gnomAD 0.0009%). This variant has not been reported in the literature in individuals affected with DOCK2-related conditions. ClinVar contains an entry for this variant (Variation ID: 4243838). An algorithm developed to predict the effect of missense changes on protein structure and function (PolyPhen-2) suggests that this variant is likely to be disruptive. In summary, the available evidence is currently insufficient to determine the role of this variant in disease. Therefore, it has been classified as a Variant of Uncertain Significance.

Ambry Genetics
Classification: Uncertain significance for Inborn genetic diseases. Last evaluated: 2025-08-13. Review status: criteria provided, single submitter. Criteria: Ambry Variant Classification Scheme 2023. Collection method: clinical testing. Allele origin: germline.